The following is an entry in ClinVar:

NC_012920.1(MT-RNR1):m.961T>C

Gene: MT-RNR1 (mitochondrially encoded 12S RNA; plus strand).
Variant type: single nucleotide variant.
Genome position: chrM-961-T-C.
Identifiers: ClinVar variation 42236 (VCV000042236.4), dbSNP rs3888511, ClinGen allele CA131021.

ClinVar aggregate classification (germline): Benign (1 of 4 stars; one submission).

Submission:

Laboratory for Molecular Medicine, Mass General Brigham Personalized Medicine
Classification: Benign. Last evaluated: 2011-12-12. Review status: criteria provided, single submitter. Criteria: LMM Criteria. Collection method: clinical testing. Allele origin: germline. Observed: 10 variant alleles.
Comment: 961T>C in MTRNR1: This variant is not expected to have clinical significance due to its presence at near equal frequencies in probands (4/1770) and control indi viduals (37/2662) (Li 2005, Tanaka 2004, Yao 2006, Lu 2010. uu.se).

Literature cited by the submitters: PubMed 15841390; PubMed 16528519; PubMed 20100600; PubMed 15466285.